The following is an entry in ClinVar:

NM_031935.3(HMCN1):c.9515C>G (p.Thr3172Arg)

Gene: HMCN1 (hemicentin 1; plus strand). Cytogenetic location: 1q31.1.
Variant type: single nucleotide variant.
Coding change: c.9515C>G on transcript NM_031935.3 (MANE Select); coding-DNA position 9515, C replaced by G.
Protein change: p.Thr3172Arg; replaces threonine 3172 with arginine.
Molecular consequence: missense variant.
Genome position (GRCh38, 1-based): chr1:186,088,214, C>G. VCF-style: chr1-186088214-C-G. GRCh37 (hg19) VCF-style: chr1-186057346-C-G.
Other names: short protein forms T3172R.
Identifiers: ClinVar variation 4778704 (VCV004778704.1).

ClinVar aggregate classification (germline): Uncertain significance (1 of 4 stars; one submission).

gnomAD v4.1: 3 of 1,612,780 alleles (0.00019%); highest among the groups gnomAD compares: Admixed American, 0.0033%; no homozygotes.

Submission:

Labcorp Genetics (formerly Invitae), Labcorp
Classification: Uncertain significance. Last evaluated: 2025-12-03. Review status: criteria provided, single submitter. Criteria: Invitae Variant Classification Sherloc (09022015). Collection method: clinical testing. Allele origin: germline.
Comment: This sequence change replaces threonine, which is neutral and polar, with arginine, which is basic and polar, at codon 3172 of the HMCN1 protein (p.Thr3172Arg). This variant is not present in population databases (gnomAD no frequency). This variant has not been reported in the literature in individuals affected with HMCN1-related conditions. An algorithm developed to predict the effect of missense changes on protein structure and function (PolyPhen-2) suggests that this variant is likely to be disruptive. In summary, the available evidence is currently insufficient to determine the role of this variant in disease. Therefore, it has been classified as a Variant of Uncertain Significance.